The following is an entry in ClinVar:

NM_001365088.1(SLC12A6):c.817del (p.Tyr273fs)

Gene: SLC12A6 (solute carrier family 12 member 6; minus strand). Cytogenetic location: 15q14.
Variant type: Deletion.
Coding change: c.817del on transcript NM_001365088.1 (MANE Select); coding-DNA position 817, one base deleted (T; older notation c.817delT).
Protein change: p.Tyr273fs; shifts the reading frame from tyrosine 273.
Molecular consequence: frameshift variant.
Genome position (GRCh38, 1-based): chr15:34,255,321, A deleted on the plus strand (T on the coding strand, the reverse complement: SLC12A6 is on the minus strand); the first of 4 consecutive A bases (chr15:34,255,321-34,255,324); deleting any one gives the same sequence. VCF-style (leftmost placement, unchanged base first): chr15-34255320-TA-T. GRCh37 (hg19) VCF-style: chr15-34547521-TA-T.
Other names: c.640del, p.Tyr214fs (NM_001042494.2, NM_001042495.2); c.790del, p.Tyr264fs (NM_001042496.2); c.772del, p.Tyr258fs (NM_001042497.2); c.664del, p.Tyr222fs (NM_005135.2); c.817del, p.Tyr273fs (NM_133647.2); short protein forms Y214fs, Y222fs, Y258fs, Y264fs, Y273fs.
Identifiers: ClinVar variation 5015123 (VCV005015123.1).
Genomic context (GRCh38, chr15:34,255,320, plus strand): 5'-ACCAGAAAGATTTCAATGGCACCAAGGATGTACATGGCTGCTGCAAATGTGGTACCAAGA[TA>T]AAAGCAGAGGCCAACAGCCCCACCAAACTCTGGGCCCAGTGCCCGGGAAATCATAAAGTA-3'

ClinVar aggregate classification (germline): Pathogenic (1 of 4 stars; one submission).

Conditions:
Agenesis of the corpus callosum with peripheral neuropathy (ACCPN). Also called: CHARLEVOIX DISEASE; POLYNEUROPATHY, SENSORIMOTOR, WITH OR WITHOUT AGENESIS OF THE CORPUS CALLOSUM; HMSN/ACC; Hereditary Motor and Sensory Neuropathy with Agenesis of the Corpus Callosum. Identifiers: Orphanet 1496, MedGen C0795950, MONDO:0000902, OMIM 218000. Disease mechanism: loss of function.

Submission:

Myriad Genetics, Inc.
Classification: Pathogenic for Agenesis of the corpus callosum with peripheral neuropathy. Last evaluated: 2025-10-21. Review status: criteria provided, single submitter. Criteria: Myriad Autosomal Dominant, Autosomal Recessive and X-Linked Classification Criteria (2023). Collection method: clinical testing. Allele origin: unknown.
Comment: NM_133647.1(SLC12A6):c.817delT(Y273Ifs*43) is expected to be pathogenic in the context of Andermann syndrome. This variant is predicted to lead to an abnormal or absent protein product due to the creation of a premature termination codon in SLC12A6, a gene where loss-of-function variants are known to be pathogenic. Please note: this variant was assessed in the context of healthy population screening.